The following is an entry in ClinVar:

NM_001205293.3(CACNA1E):c.283A>G (p.Ile95Val)

Gene: CACNA1E (calcium voltage-gated channel subunit alpha1 E; plus strand). Cytogenetic location: 1q25.3.
Variant type: single nucleotide variant.
Coding change: c.283A>G on transcript NM_001205293.3 (MANE Select); coding-DNA position 283, A replaced by G.
Protein change: p.Ile95Val; replaces isoleucine 95 with valine.
Molecular consequence: missense variant.
Genome position (GRCh38, 1-based): chr1:181,510,493, A>G. VCF-style: chr1-181510493-A-G. GRCh37 (hg19) VCF-style: chr1-181479629-A-G.
Other names: c.283A>G, p.Ile95Val (NM_000721.4, NM_001205294.2); short protein forms I95V.
Identifiers: ClinVar variation 4759843 (VCV004759843.1).

ClinVar aggregate classification (germline): Uncertain significance (1 of 4 stars; one submission).

gnomAD v4.1: 10 of 1,612,842 alleles (0.00062%); highest among the groups gnomAD compares: Non-Finnish European, 0.00085%; no homozygotes.

Submission:

Labcorp Genetics (formerly Invitae), Labcorp
Classification: Uncertain significance. Last evaluated: 2025-05-26. Review status: criteria provided, single submitter. Criteria: Invitae Variant Classification Sherloc (09022015). Collection method: clinical testing. Allele origin: germline.
Comment: This sequence change replaces isoleucine, which is neutral and non-polar, with valine, which is neutral and non-polar, at codon 95 of the CACNA1E protein (p.Ile95Val). This variant is not present in population databases (gnomAD no frequency). This variant has not been reported in the literature in individuals affected with CACNA1E-related conditions. Invitae Evidence Modeling of protein sequence and biophysical properties (such as structural, functional, and spatial information, amino acid conservation, physicochemical variation, residue mobility, and thermodynamic stability) has been performed for this missense variant. However, the output from this modeling did not meet the statistical confidence thresholds required to predict the impact of this variant on CACNA1E protein function. In summary, the available evidence is currently insufficient to determine the role of this variant in disease. Therefore, it has been classified as a Variant of Uncertain Significance.